The following is an entry in ClinVar:

ClinVar aggregate classification (germline): Conflicting classifications of pathogenicity. Review status: criteria provided, conflicting classifications (1 of 4 stars). 4 submissions from 4 submitters: Uncertain significance (1); Likely benign (2). 1 of the submissions does not count toward it. Last evaluated 2026-01-27.

Conditions:
Inborn genetic diseases. Identifiers: MedGen C0950123, MeSH D030342.
Pierson syndrome. Also called: MICROCORIA-CONGENITAL NEPHROTIC SYNDROME. Identifiers: Orphanet 2670, MedGen C1836876, MONDO:0012184, OMIM 609049.
LAMB2-related infantile-onset nephrotic syndrome. Also called: Nephrotic Syndrome, type 5; NEPHROTIC SYNDROME, TYPE 5, WITHOUT OCULAR ABNORMALITIES; NEPHROTIC SYNDROME, TYPE 5, WITH OCULAR ABNORMALITIES. Identifiers: Orphanet 306507, MedGen C3280113, MONDO:0013621, OMIM 614199.
LAMB2-related disorder. Also called: LAMB2-related condition.

Allele frequency attached by ClinVar (database versions not stated): gnomAD exomes 0.00009 and 0.00024; ExAC 0.00038; 1000 Genomes Project 0.00060; 1000 Genomes Project 30x 0.00062; gnomAD 0.00078 and 0.00086; TOPMed 0.00099; ESP Exome Variant Server 0.00131.

Submissions (4):

Labcorp Genetics (formerly Invitae), Labcorp
Classification: Likely benign for LAMB2-related infantile-onset nephrotic syndrome; Pierson syndrome. Last evaluated: 2026-01-27. Review status: criteria provided, single submitter. Criteria: Invitae Variant Classification Sherloc (09022015). Collection method: clinical testing. Allele origin: germline.

Mayo Clinic Laboratories, Mayo Clinic
Classification: Uncertain significance. Last evaluated: 2025-10-18. Review status: criteria provided, single submitter. Criteria: ACMG Guidelines, 2015. Collection method: clinical testing. Allele origin: germline. Observed: 2 variant alleles.
Comment: BS1

Ambry Genetics
Classification: Likely benign for Inborn genetic diseases. Last evaluated: 2025-04-17. Review status: criteria provided, single submitter. Criteria: Ambry Variant Classification Scheme 2023. Collection method: clinical testing. Allele origin: germline.

PreventionGenetics, part of Exact Sciences
Classification: Likely benign for LAMB2-related condition. Last evaluated: 2022-07-28. Review status: no assertion criteria provided. Collection method: clinical testing. Allele origin: germline. Not counted in ClinVar's aggregate classification.
Comment: This variant is classified as likely benign based on ACMG/AMP sequence variant interpretation guidelines (Richards et al. 2015 PMID: 25741868, with internal and published modifications).

NM_002292.4(LAMB2):c.2975T>C (p.Ile992Thr)

Gene: LAMB2 (laminin subunit beta 2; minus strand). Cytogenetic location: 3p21.31.
Variant type: single nucleotide variant.
Coding change: c.2975T>C on transcript NM_002292.4 (MANE Select); coding-DNA position 2975, T replaced by C.
Protein change: p.Ile992Thr; replaces isoleucine 992 with threonine.
Molecular consequence: missense variant.
Genome position (GRCh38, 1-based): chr3:49,124,835, A>G on the plus strand (T>C on the coding strand, the complement: LAMB2 is on the minus strand). VCF-style: chr3-49124835-A-G. GRCh37 (hg19) VCF-style: chr3-49162268-A-G.
Other names: p.Ile992Thr; short protein forms I992T.
Identifiers: ClinVar variation 705649 (VCV000705649.14), dbSNP rs148732023, ClinGen allele CA2394146.